The following is an entry in ClinVar:

NM_003640.5(ELP1):c.-56+101G>C

Gene: ELP1 (elongator acetyltransferase complex subunit 1; minus strand). Cytogenetic location: 9q31.3.
Variant type: single nucleotide variant.
Coding change: c.-56+101G>C on transcript NM_003640.5 (MANE Select); 101 bases into the intron after 56 bases upstream of the start codon, G replaced by C.
Molecular consequence: intron variant.
Genome position (GRCh38, 1-based): chr9:108,933,763, C>G on the plus strand (G>C on the coding strand, the complement: ELP1 is on the minus strand). VCF-style: chr9-108933763-C-G. GRCh37 (hg19) VCF-style: chr9-111696043-C-G.
Other names: c.-253+101G>C (NM_001318360.2); c.-915+101G>C (NM_001330749.2).
Identifiers: ClinVar variation 681908 (VCV000681908.2), dbSNP rs2275637, ClinGen allele CA13036363.

ClinVar aggregate classification (germline): Benign. Review status: criteria provided, multiple submitters, no conflicts (2 of 4 stars). 2 submissions from 2 submitters: Benign (2). Last evaluated 2018-06-20.

Allele frequency attached by ClinVar (database versions not stated): gnomAD exomes 0.15831; 1000 Genomes Project 30x 0.19488; 1000 Genomes Project 0.19788; TOPMed 0.21344; gnomAD 0.21571 and 0.21852.
gnomAD v4.1: 33,358 of 152,790 alleles (22%); highest among the groups gnomAD compares: East Asian, 30%; 4,494 homozygotes.

Submissions (2):

GeneDx
Classification: Benign. Last evaluated: 2018-06-20. Review status: criteria provided, single submitter. Criteria: GeneDx Variant Classification (06012015). Collection method: clinical testing. Allele origin: germline. Affected: yes.
Comment: This variant is considered likely benign or benign based on one or more of the following criteria: it is a conservative change, it occurs at a poorly conserved position in the protein, it is predicted to be benign by multiple in silico algorithms, and/or has population frequency not consistent with disease.

Breakthrough Genomics
Classification: Benign. Review status: criteria provided, single submitter. Criteria: ACMG Guidelines, 2015. Collection method: not provided. Allele origin: germline. Inheritance: Autosomal recessive inheritance. Affected: yes.